The following is an entry in ClinVar:

ClinVar aggregate classification (germline): Likely benign. Review status: criteria provided, single submitter (1 of 4 stars). 2 submissions from 2 submitters: Likely benign (1). 1 of the submissions does not count toward it. Last evaluated 2025-10-27.

Conditions:
BBS7-related disorder. Also called: BBS7-related condition.
Bardet-Biedl syndrome (BBS). Identifiers: Orphanet 110, MedGen C0752166, MONDO:0015229.

gnomAD v4.1: 3 of 1,613,756 alleles (0.00019%); highest among the groups gnomAD compares: Admixed American, 0.0033%; no homozygotes.

Submissions (2):

Labcorp Genetics (formerly Invitae), Labcorp
Classification: Likely benign for Bardet-Biedl syndrome. Last evaluated: 2025-10-27. Review status: criteria provided, single submitter. Criteria: Invitae Variant Classification Sherloc (09022015). Collection method: clinical testing. Allele origin: germline.

PreventionGenetics, part of Exact Sciences
Classification: Uncertain significance for BBS7-related condition. Last evaluated: 2024-03-15. Review status: no assertion criteria provided. Collection method: clinical testing. Allele origin: germline. Not counted in ClinVar's aggregate classification.
Comment: The BBS7 c.2010C>G variant is not predicted to result in an amino acid change (p.=). However, this variant is predicted to possibly activate a donor site within the exon and may effect splicing (SpliceAI, Jaganathan K, et al. 2019. PubMed ID: 30661751). To our knowledge, this variant has not been reported in the literature. This variant is reported in 0.0058% of alleles in individuals of Latino descent in gnomAD. At this time, the clinical significance of this variant is uncertain due to the absence of conclusive functional and genetic evidence.

NM_176824.3(BBS7):c.2010C>G (p.Leu670=)

Gene: BBS7 (Bardet-Biedl syndrome 7; minus strand). Cytogenetic location: 4q27.
Variant type: single nucleotide variant.
Coding change: c.2010C>G on transcript NM_176824.3 (MANE Select); coding-DNA position 2010, C replaced by G.
Protein change: p.Leu670=; no amino-acid change (leucine 670 retained).
Molecular consequence: synonymous variant.
Genome position (GRCh38, 1-based): chr4:121,828,150, G>C on the plus strand (C>G on the coding strand, the complement: BBS7 is on the minus strand). VCF-style: chr4-121828150-G-C. GRCh37 (hg19) VCF-style: chr4-122749305-G-C.
Other names: c.2010C>G, p.Leu670= (NM_018190.4).
Identifiers: ClinVar variation 3349284 (VCV003349284.2).